The following is an entry in ClinVar:

NM_013266.4(CTNNA3):c.314C>T (p.Ala105Val)

Gene: CTNNA3 (catenin alpha 3; minus strand). Cytogenetic location: 10q21.3.
Variant type: single nucleotide variant.
Coding change: c.314C>T on transcript NM_013266.4 (MANE Select); coding-DNA position 314, C replaced by T.
Protein change: p.Ala105Val; replaces alanine 105 with valine.
Molecular consequence: missense variant.
Genome position (GRCh38, 1-based): chr10:67,539,648, G>A on the plus strand (C>T on the coding strand, the complement: CTNNA3 is on the minus strand). VCF-style: chr10-67539648-G-A. GRCh37 (hg19) VCF-style: chr10-69299406-G-A.
Other names: c.314C>T, p.Ala105Val (NM_001127384.3); c.350C>T, p.Ala117Val (NM_001291133.2); short protein forms A105V, A117V.
Identifiers: ClinVar variation 3226241 (VCV003226241.1), dbSNP rs2492483730, ClinGen allele CA377098010.
Genomic context (GRCh38, chr10:67,539,648, plus strand): 5'-GCAGCTTGAACCACAGCCTCCCTTTTTGGGAGAAAACAGGGGTCATCTGTAAATCTCTCA[G>A]CTGATACTTTCAGAGCTTCACCTGAAAAATACAACCCCATATAAGTTATACTTTAAGTTT-3'
Protein context (NP_037398.2, residues 95-115): RKESEALKVS[Ala105Val]ERFTDDPCFL

ClinVar aggregate classification (germline): Uncertain significance (1 of 4 stars; one submission).

Submission:

Ambry Genetics
Classification: Uncertain significance. Last evaluated: 2023-11-21. Review status: criteria provided, single submitter. Criteria: Ambry Variant Classification Scheme 2023. Collection method: clinical testing. Allele origin: germline.
Comment: The p.A105V variant (also known as c.314C>T), located in coding exon 3 of the CTNNA3 gene, results from a C to T substitution at nucleotide position 314. The alanine at codon 105 is replaced by valine, an amino acid with similar properties. This amino acid position is conserved. In addition, the in silico prediction for this alteration is inconclusive. Since supporting evidence is limited at this time, the clinical significance of this alteration remains unclear.